The following is an entry in ClinVar:

ClinVar aggregate classification (germline): Uncertain significance (1 of 4 stars; one submission).

Submission:

Labcorp Genetics (formerly Invitae), Labcorp
Classification: Uncertain significance. Last evaluated: 2024-07-02. Review status: criteria provided, single submitter. Criteria: Invitae Variant Classification Sherloc (09022015). Collection method: clinical testing. Allele origin: germline.
Comment: This sequence change replaces threonine, which is neutral and polar, with arginine, which is basic and polar, at codon 103 of the TNNI3K protein (p.Thr103Arg). This variant is not present in population databases (gnomAD no frequency). This variant has not been reported in the literature in individuals affected with TNNI3K-related conditions. Advanced modeling of protein sequence and biophysical properties (such as structural, functional, and spatial information, amino acid conservation, physicochemical variation, residue mobility, and thermodynamic stability) performed at Invitae indicates that this missense variant is not expected to disrupt TNNI3K protein function with a negative predictive value of 80%. In summary, the available evidence is currently insufficient to determine the role of this variant in disease. Therefore, it has been classified as a Variant of Uncertain Significance.

NM_015978.3(TNNI3K):c.308C>G (p.Thr103Arg)

Genes: FPGT-TNNI3K (FPGT-TNNI3K readthrough; plus strand), TNNI3K (TNNI3 interacting kinase; plus strand). Cytogenetic location: 1p31.1.
Variant type: single nucleotide variant.
Coding change: c.308C>G on transcript NM_015978.3 (MANE Select); coding-DNA position 308, C replaced by G.
Protein change: p.Thr103Arg; replaces threonine 103 with arginine.
Molecular consequence: missense variant.
Genome position (GRCh38, 1-based): chr1:74,250,744, C>G. VCF-style: chr1-74250744-C-G. GRCh37 (hg19) VCF-style: chr1-74716428-C-G.
Other names: c.611C>G, p.Thr204Arg (NM_001112808.3, NM_001199327.2); short protein forms T103R, T204R.
Identifiers: ClinVar variation 3658537 (VCV003658537.2).